The following is an entry in ClinVar:

NM_001876.4(CPT1A):c.841del (p.Leu281fs)

Gene: CPT1A (carnitine palmitoyltransferase 1A; minus strand). Cytogenetic location: 11q13.3.
Variant type: Deletion.
Coding change: c.841del on transcript NM_001876.4 (MANE Select); coding-DNA position 841, one base deleted (C; older notation c.841delC).
Protein change: p.Leu281fs; shifts the reading frame from leucine 281.
Molecular consequence: frameshift variant. On other transcripts: intron variant (2).
Genome position (GRCh38, 1-based): chr11:68,794,842, G deleted on the plus strand (C on the coding strand, the reverse complement: CPT1A is on the minus strand). VCF-style (leftmost placement, unchanged base first): chr11-68794841-AG-A. GRCh37 (hg19) VCF-style: chr11-68562309-AG-A.
Other names: c.841del, p.Leu281fs (NM_001031847.3, NM_001440358.1, NM_001440359.1 and 4 more transcripts); c.772-1440del (NM_001440363.1); c.694-1440del (NM_001440365.1); short protein forms L281fs.
Identifiers: ClinVar variation 5013519 (VCV005013519.1).
Genomic context (GRCh38, chr11:68,794,841, plus strand): 5'-TTTAAAGCAATTTGTTTGCCTACTGGTTTGATTTCCTCCCGGTCCAGTTTGCGCCTGTAA[AG>A]CAGGATGGCATGGATGGCGTTGCCGGCTCTTGCTGCCTGAATGTGAGTTGGAAGGATATA-3'

ClinVar aggregate classification (germline): Pathogenic (1 of 4 stars; one submission).

Conditions:
Carnitine palmitoyl transferase 1A deficiency. Also called: CPT deficiency, hepatic, type IA; Carnitine palmitoyltransferase type I deficiency; CPT I DEFICIENCY; CPT DEFICIENCY, HEPATIC, TYPE I; Carnitine palmitoyltransferase 1A deficiency. Identifiers: Orphanet 156, MedGen C1829703, MONDO:0009705, OMIM 255120.

Submission:

Myriad Genetics, Inc.
Classification: Pathogenic for Carnitine palmitoyl transferase 1A deficiency. Last evaluated: 2024-09-02. Review status: criteria provided, single submitter. Criteria: Myriad Autosomal Dominant, Autosomal Recessive and X-Linked Classification Criteria (2023). Collection method: clinical testing. Allele origin: unknown.
Comment: NM_001876.3(CPT1A):c.841delC(L281Ffs*48) is expected to be pathogenic in the context of carnitine palmitoyltransferase IA deficiency. This variant is predicted to lead to an abnormal or absent protein product due to the creation of a premature termination codon in CPT1A, a gene where loss-of-function variants are known to be pathogenic. Please note: this variant was assessed in the context of healthy population screening.